The following is an entry in ClinVar:

ClinVar aggregate classification (germline): Uncertain significance (1 of 4 stars; one submission).

Allele frequency attached by ClinVar (database versions not stated): gnomAD exomes below 0.00001; TOPMed 0.00001; gnomAD 0.00003.
gnomAD v4.1: 7 of 1,613,304 alleles (0.00043%); highest among the groups gnomAD compares: African/African-American, 0.0093%; no homozygotes.

Submission:

GeneDx
Classification: Uncertain significance. Last evaluated: 2022-11-10. Review status: criteria provided, single submitter. Criteria: GeneDx Variant Classification Process June 2021. Collection method: clinical testing. Allele origin: germline. Affected: yes.
Comment: In silico analysis supports that this missense variant has a deleterious effect on protein structure/function; Has not been previously published as pathogenic or benign to our knowledge

NM_182961.4(SYNE1):c.17687T>C (p.Ile5896Thr)

Gene: SYNE1 (spectrin repeat containing nuclear envelope protein 1; minus strand). Cytogenetic location: 6q25.2.
Variant type: single nucleotide variant.
Coding change: c.17687T>C on transcript NM_182961.4 (MANE Select); coding-DNA position 17687, T replaced by C.
Protein change: p.Ile5896Thr; replaces isoleucine 5896 with threonine.
Molecular consequence: missense variant.
Genome position (GRCh38, 1-based): chr6:152,294,123, A>G on the plus strand (T>C on the coding strand, the complement: SYNE1 is on the minus strand). VCF-style: chr6-152294123-A-G. GRCh37 (hg19) VCF-style: chr6-152615258-A-G.
Other names: c.17474T>C, p.Ile5825Thr (NM_033071.5); short protein forms I5825T, I5896T.
Identifiers: ClinVar variation 2502026 (VCV002502026.1), dbSNP rs1047106129, ClinGen allele CA150193312.